The following is an entry in ClinVar:

NM_001374828.1(ARID1B):c.42GCGGGC[2] (p.15RA[2])

Genes: ARID1B (AT-rich interaction domain 1B; plus strand), LOC115308161 (uncharacterized LOC115308161; minus strand). Cytogenetic location: 6q25.3.
Variant type: Microsatellite.
Coding change: c.42GCGGGC[2] on transcript NM_001374828.1 (MANE Select); two copies in a row of the 6-base unit GCGGGC starting at c.42; the reference has three copies in a row; one copy, 6 bases deleted.
Protein change: p.15RA[2].
Genome position (GRCh38, 1-based): chr6:156,777,734-156,777,739, GCGGGC deleted; deleting any 6 consecutive bases within chr6:156,777,719-156,777,739 gives the same sequence; the position shown is the placement nearest the transcript's 3' end. VCF-style (leftmost placement, unchanged base first): chr6-156777718-CGGCGCG-C. GRCh37 (hg19) VCF-style: chr6-157098852-CGGCGCG-C.
Other names: c.42GCGGGC[2], p.15RA[2] (NM_001371656.1, NM_001374820.1, NM_017519.3).
Identifiers: ClinVar variation 3771708 (VCV003771708.13).

ClinVar aggregate classification (germline): Likely benign (1 of 4 stars; one submission).

Submission:

CeGaT Center for Human Genetics Tuebingen
Classification: Likely benign. Last evaluated: 2026-02-01. Review status: criteria provided, single submitter. Criteria: CeGaT Center For Human Genetics Tuebingen Variant Classification Criteria Version 2. Collection method: clinical testing. Allele origin: germline. Affected: yes. Observed: 2 variant alleles.
Comment: ARID1B: BS2